The following is an entry in ClinVar:

ClinVar aggregate classification (germline): Uncertain significance (1 of 4 stars; one submission).

Submission:

CeGaT Center for Human Genetics Tuebingen
Classification: Uncertain significance. Last evaluated: 2026-07-01. Review status: criteria provided, single submitter. Criteria: CeGaT Center For Human Genetics Tuebingen Variant Classification Criteria Version 2. Collection method: clinical testing. Allele origin: germline. Affected: yes. Observed: 1 variant allele.
Comment: KAT6A: PM2

NM_006766.5(KAT6A):c.5115T>G (p.Cys1705Trp)

Gene: KAT6A (lysine acetyltransferase 6A; minus strand). Cytogenetic location: 8p11.21.
Variant type: single nucleotide variant.
Coding change: c.5115T>G on transcript NM_006766.5 (MANE Select); coding-DNA position 5115, T replaced by G.
Protein change: p.Cys1705Trp; replaces cysteine 1705 with tryptophan.
Molecular consequence: missense variant.
Genome position (GRCh38, 1-based): chr8:41,933,105, A>C on the plus strand (T>G on the coding strand, the complement: KAT6A is on the minus strand). VCF-style: chr8-41933105-A-C. GRCh37 (hg19) VCF-style: chr8-41790623-A-C.
Other names: short protein forms C1705W.
Identifiers: ClinVar variation 5039997 (VCV005039997.1).